The following is an entry in ClinVar:

NM_206933.4(USH2A):c.10960T>C (p.Tyr3654His)

Gene: USH2A (usherin; minus strand). Cytogenetic location: 1q41.
Variant type: single nucleotide variant.
Coding change: c.10960T>C on transcript NM_206933.4 (MANE Select); coding-DNA position 10960, T replaced by C.
Protein change: p.Tyr3654His; replaces tyrosine 3654 with histidine.
Molecular consequence: missense variant.
Genome position (GRCh38, 1-based): chr1:215,766,768, A>G on the plus strand (T>C on the coding strand, the complement: USH2A is on the minus strand). VCF-style: chr1-215766768-A-G. GRCh37 (hg19) VCF-style: chr1-215940110-A-G.
Other names: short protein forms Y3654H.
Identifiers: ClinVar variation 1436556 (VCV001436556.4), dbSNP rs758299314, ClinGen allele CA1393861.

ClinVar aggregate classification (germline): Uncertain significance. Review status: criteria provided, multiple submitters, no conflicts (2 of 4 stars). 2 submissions from 2 submitters: Uncertain significance (2). Last evaluated 2022-04-18.

Allele frequency attached by ClinVar (database versions not stated): gnomAD 0.00001; ExAC 0.00002; gnomAD exomes 0.00002 and 0.00003; TOPMed 0.00003.
gnomAD v4.1: 24 of 1,613,518 alleles (0.0015%); highest among the groups gnomAD compares: African/African-American, 0.004%; no homozygotes.

Submissions (2):

Labcorp Genetics (formerly Invitae), Labcorp
Classification: Uncertain significance. Last evaluated: 2022-04-18. Review status: criteria provided, single submitter. Criteria: Invitae Variant Classification Sherloc (09022015). Collection method: clinical testing. Allele origin: germline.
Comment: This sequence change replaces tyrosine, which is neutral and polar, with histidine, which is basic and polar, at codon 3654 of the USH2A protein (p.Tyr3654His). This variant is present in population databases (rs758299314, gnomAD 0.05%). This variant has not been reported in the literature in individuals affected with USH2A-related conditions. Algorithms developed to predict the effect of missense changes on protein structure and function are either unavailable or do not agree on the potential impact of this missense change (SIFT: "Deleterious"; PolyPhen-2: "Probably Damaging"; Align-GVGD: "Class C0"). In summary, the available evidence is currently insufficient to determine the role of this variant in disease. Therefore, it has been classified as a Variant of Uncertain Significance.

Blueprint Genetics
Classification: Uncertain significance. Last evaluated: 2020-12-18. Review status: criteria provided, single submitter. Criteria: ACMG Guidelines, 2015. Collection method: clinical testing. Allele origin: germline.